The following is an entry in ClinVar:

ClinVar aggregate classification (germline): Uncertain significance (1 of 4 stars; one submission).

gnomAD v4.1: 14 of 1,612,446 alleles (0.00087%); highest among the groups gnomAD compares: Admixed American, 0.015%; no homozygotes.

Submission:

GeneDx
Classification: Uncertain significance. Last evaluated: 2026-04-14. Review status: criteria provided, single submitter. Criteria: GeneDx Variant Classification Process June 2021. Collection method: clinical testing. Allele origin: germline.
Comment: In silico analysis suggests that this missense variant does not alter protein structure/function; Has not been previously published as pathogenic or benign to our knowledge

NM_017446.4(MRPL39):c.16A>C (p.Met6Leu)

Genes: MRPL39 (mitochondrial ribosomal protein L39; minus strand), LOC130066491 (ATAC-STARR-seq lymphoblastoid active region 18314; plus strand). Cytogenetic location: 21q21.3.
Variant type: single nucleotide variant.
Coding change: c.16A>C on transcript NM_017446.4 (MANE Select); coding-DNA position 16, A replaced by C.
Protein change: p.Met6Leu; replaces methionine 6 with leucine.
Molecular consequence: missense variant.
Genome position (GRCh38, 1-based): chr21:25,607,460, T>G on the plus strand (A>C on the coding strand, the complement: MRPL39 is on the minus strand). VCF-style: chr21-25607460-T-G. GRCh37 (hg19) VCF-style: chr21-26979772-T-G.
Other names: c.16A>C, p.Met6Leu (NM_080794.4); short protein forms M6L.
Identifiers: ClinVar variation 5037197 (VCV005037197.1).